The following is an entry in ClinVar:

NM_015295.3(SMCHD1):c.5041A>G (p.Thr1681Ala)

Gene: SMCHD1 (structural maintenance of chromosomes flexible hinge domain containing 1; plus strand). Cytogenetic location: 18p11.32.
Variant type: single nucleotide variant.
Coding change: c.5041A>G on transcript NM_015295.3 (MANE Select); coding-DNA position 5041, A replaced by G.
Protein change: p.Thr1681Ala; replaces threonine 1681 with alanine.
Molecular consequence: missense variant.
Genome position (GRCh38, 1-based): chr18:2,771,607, A>G. VCF-style: chr18-2771607-A-G. GRCh37 (hg19) VCF-style: chr18-2771605-A-G.
Other names: short protein forms T1681A.
Identifiers: ClinVar variation 2384008 (VCV002384008.6), dbSNP rs1169731986, ClinGen allele CA401682784.

ClinVar aggregate classification (germline): Uncertain significance. Review status: criteria provided, multiple submitters, no conflicts (2 of 4 stars). 3 submissions from 3 submitters: Uncertain significance (3). Last evaluated 2023-10-23.

Conditions:
Inborn genetic diseases. Identifiers: MedGen C0950123, MeSH D030342.
Facioscapulohumeral muscular dystrophy 2 (FSHD2). Also called: MUSCULAR DYSTROPHY, FACIOSCAPULOHUMERAL, TYPE 1B; FACIOSCAPULOHUMERAL MUSCULAR DYSTROPHY 2, DIGENIC; FSHD2, DIGENIC. Identifiers: Orphanet 269, MedGen C1834671, MONDO:0008031, OMIM 158901.
Arrhinia with choanal atresia and microphthalmia syndrome. Also called: ARHINIA, CHOANAL ATRESIA, MICROPHTHALMIA, AND HYPOGONADOTROPIC HYPOGONADISM; Arrhinia-choanal atresia-microphthalmia syndrome; Arhinia, choanal atresia, and microphthalmia. Identifiers: Orphanet 1135, Orphanet 2250, MedGen C1863878, MONDO:0011323, OMIM 603457.

Allele frequency attached by ClinVar (database versions not stated): TOPMed 0.00004; gnomAD exomes 0.00005; gnomAD 0.00006.
gnomAD v4.1: 76 of 1,562,746 alleles (0.0049%); highest among the groups gnomAD compares: African/African-American, 0.011%; no homozygotes.

Submissions (3):

Labcorp Genetics (formerly Invitae), Labcorp
Classification: Uncertain significance for Facioscapulohumeral muscular dystrophy 2. Last evaluated: 2023-10-23. Review status: criteria provided, single submitter. Criteria: Invitae Variant Classification Sherloc (09022015). Collection method: clinical testing. Allele origin: germline.
Comment: This sequence change replaces threonine, which is neutral and polar, with alanine, which is neutral and non-polar, at codon 1681 of the SMCHD1 protein (p.Thr1681Ala). The frequency data for this variant in the population databases is considered unreliable, as metrics indicate poor data quality at this position in the gnomAD database. This variant has not been reported in the literature in individuals affected with SMCHD1-related conditions. ClinVar contains an entry for this variant (Variation ID: 2384008). Advanced modeling of protein sequence and biophysical properties (such as structural, functional, and spatial information, amino acid conservation, physicochemical variation, residue mobility, and thermodynamic stability) performed at Invitae indicates that this missense variant is not expected to disrupt SMCHD1 protein function with a negative predictive value of 80%. In summary, the available evidence is currently insufficient to determine the role of this variant in disease. Therefore, it has been classified as a Variant of Uncertain Significance.

Ambry Genetics
Classification: Uncertain significance for Inborn genetic diseases. Last evaluated: 2021-08-09. Review status: criteria provided, single submitter. Criteria: Ambry Variant Classification Scheme 2023. Collection method: clinical testing. Allele origin: germline.

Department of Pathology and Laboratory Medicine, Sinai Health System
Classification: Uncertain significance for Facioscapulohumeral muscular dystrophy 2; Arrhinia with choanal atresia and microphthalmia syndrome. Last evaluated: 2020-05-06. Review status: criteria provided, single submitter. Criteria: ACMG Guidelines, 2015. Collection method: research. Allele origin: germline.